The following is an entry in ClinVar:

NM_024700.4(SNIP1):c.85G>T (p.Val29Leu)

Gene: SNIP1 (Smad nuclear interacting protein 1; minus strand). Cytogenetic location: 1p34.3.
Variant type: single nucleotide variant.
Coding change: c.85G>T on transcript NM_024700.4 (MANE Select); coding-DNA position 85, G replaced by T.
Protein change: p.Val29Leu; replaces valine 29 with leucine.
Molecular consequence: missense variant.
Genome position (GRCh38, 1-based): chr1:37,554,145, C>A on the plus strand (G>T on the coding strand, the complement: SNIP1 is on the minus strand). VCF-style: chr1-37554145-C-A. GRCh37 (hg19) VCF-style: chr1-38019746-C-A.
Other names: short protein forms V29L.
Identifiers: ClinVar variation 2815935 (VCV002815935.3), dbSNP rs2522389406, ClinGen allele CA339430045.

ClinVar aggregate classification (germline): Uncertain significance (1 of 4 stars; one submission).

Submission:

Labcorp Genetics (formerly Invitae), Labcorp
Classification: Uncertain significance. Last evaluated: 2024-05-06. Review status: criteria provided, single submitter. Criteria: Invitae Variant Classification Sherloc (09022015). Collection method: clinical testing. Allele origin: germline.
Comment: This sequence change replaces valine, which is neutral and non-polar, with leucine, which is neutral and non-polar, at codon 29 of the SNIP1 protein (p.Val29Leu). This variant is not present in population databases (gnomAD no frequency). This variant has not been reported in the literature in individuals affected with SNIP1-related conditions. An algorithm developed to predict the effect of missense changes on protein structure and function (PolyPhen-2) suggests that this variant is likely to be disruptive. In summary, the available evidence is currently insufficient to determine the role of this variant in disease. Therefore, it has been classified as a Variant of Uncertain Significance.